The following is an entry in ClinVar:

ClinVar aggregate classification (germline): Uncertain significance (1 of 4 stars; one submission).

Conditions:
Hereditary sensory neuropathy-deafness-dementia syndrome. Also called: NEUROPATHY, HEREDITARY SENSORY, WITH HEARING LOSS AND DEMENTIA; Hereditary Sensory and Autonomic Neuropathy Type 1E (HSAN1E); HSN IE; Hereditary sensory neuropathy type IE. Identifiers: Orphanet 456318, MedGen C3279885, MONDO:0013584, OMIM 614116.

Submission:

Labcorp Genetics (formerly Invitae), Labcorp
Classification: Uncertain significance for Hereditary sensory neuropathy-deafness-dementia syndrome. Last evaluated: 2025-12-08. Review status: criteria provided, single submitter. Criteria: Invitae Variant Classification Sherloc (09022015). Collection method: clinical testing. Allele origin: germline.
Comment: This variant, c.1222_1224del, results in the deletion of 1 amino acid(s) of the DNMT1 protein (p.Asn408del), but otherwise preserves the integrity of the reading frame. This variant is not present in population databases (gnomAD no frequency). This variant has not been reported in the literature in individuals affected with DNMT1-related conditions. Experimental studies and prediction algorithms are not available or were not evaluated, and the functional significance of this variant is currently unknown. In summary, the available evidence is currently insufficient to determine the role of this variant in disease. Therefore, it has been classified as a Variant of Uncertain Significance.

NM_001130823.3(DNMT1):c.1222_1224del (p.Asn408del)

Gene: DNMT1 (DNA methyltransferase 1; minus strand). Cytogenetic location: 19p13.2.
Variant type: Deletion.
Coding change: c.1222_1224del on transcript NM_001130823.3 (MANE Select); coding-DNA positions 1222 to 1224, 3 bases deleted (AAC; older notation c.1222_1224delAAC).
Protein change: p.Asn408del; deletes asparagine 408.
Molecular consequence: inframe deletion.
Genome position (GRCh38, 1-based): chr19:10,159,714-10,159,716, GTT deleted on the plus strand (AAC on the coding strand, the reverse complement: DNMT1 is on the minus strand); deleting any 3 consecutive bases within chr19:10,159,714-10,159,717 gives the same sequence; the c. name uses the placement nearest the transcript's 3' end. VCF-style (leftmost placement, unchanged base first): chr19-10159713-CGTT-C. GRCh37 (hg19) VCF-style: chr19-10270389-CGTT-C.
Other names: c.1174_1176del, p.Asn392del (NM_001318730.2, NM_001379.4); c.859_861del, p.Asn287del (NM_001318731.2); short protein forms N287del, N392del, N408del.
Identifiers: ClinVar variation 4732696 (VCV004732696.1).
Genomic context (GRCh38, chr19:10,159,713, plus strand): 5'-CTTACCTGAAGCAGGTCAGTTTGTGCTGGGGAAGCGCCTCATAACTCTCAAAGCCAGACT[CGTT>C]GGCATCAAAGATGGACAGCTTCTCATTTGTCAGCATCTGTGGCTCATCCACCTGAAGGAC-3'